The following is an entry in ClinVar:

ClinVar aggregate classification (germline): Uncertain significance (1 of 4 stars; one submission).

Conditions:
TBX3-related disorder. Also called: TBX3-related condition.

Submission:

PreventionGenetics, part of Exact Sciences
Classification: Uncertain significance for TBX3-related condition. Last evaluated: 2023-06-26. Review status: criteria provided, single submitter. Criteria: ACMG Guidelines, 2015. Collection method: clinical testing. Allele origin: germline.
Comment: The TBX3 c.1846_1860dup15 variant is predicted to result in an in-frame duplication (p.Ala617_Ser621dup). To our knowledge, this variant has not been reported in the literature or in a large population database, indicating this variant is rare. At this time, the clinical significance of this variant is uncertain due to the absence of conclusive functional and genetic evidence.

NM_005996.4(TBX3):c.1786_1800dup (p.Ser601_Ser602insAlaAlaAlaSerSer)

Gene: TBX3 (T-box transcription factor 3; minus strand). Cytogenetic location: 12q24.21.
Variant type: Duplication.
Coding change: c.1786_1800dup on transcript NM_005996.4 (MANE Select); coding-DNA positions 1786 to 1800, 15 bases duplicated (TCTGCGGCAGCCTCC).
Protein change: p.Ser601_Ser602insAlaAlaAlaSerSer.
Molecular consequence: inframe insertion.
Genome position (GRCh38, 1-based): chr12:114,672,213-114,672,227, GGAGGCTGCCGCAGA duplicated on the plus strand (TCTGCGGCAGCCTCC on the coding strand, the reverse complement: TBX3 is on the minus strand); duplicating any 15 consecutive bases within chr12:114,672,213-114,672,233 gives the same sequence; the c. name uses the placement nearest the transcript's 3' end. VCF-style (leftmost placement, unchanged base first): chr12-114672212-T-TGGAGGCTGCCGCAGA. GRCh37 (hg19) VCF-style: chr12-115110017-T-TGGAGGCTGCCGCAGA.
Other names: c.1846_1860dup, p.Ser621_Ser622insAlaAlaAlaSerSer (NM_016569.4).
Identifiers: ClinVar variation 2634666 (VCV002634666.1), dbSNP rs1868476791, ClinGen allele CA952072930.